The following is an entry in ClinVar:

NM_019892.6(INPP5E):c.363C>T (p.Pro121=)

Gene: INPP5E (inositol polyphosphate-5-phosphatase E; minus strand). Cytogenetic location: 9q34.3.
Variant type: single nucleotide variant.
Coding change: c.363C>T on transcript NM_019892.6 (MANE Select); coding-DNA position 363, C replaced by T.
Protein change: p.Pro121=; no amino-acid change (proline 121 retained).
Molecular consequence: synonymous variant.
Genome position (GRCh38, 1-based): chr9:136,439,057, G>A on the plus strand (C>T on the coding strand, the complement: INPP5E is on the minus strand). VCF-style: chr9-136439057-G-A. GRCh37 (hg19) VCF-style: chr9-139333509-G-A.
Other names: c.363C>T, p.Pro121= (NM_001318502.2); c.363C>T (NM_019892.5).
Identifiers: ClinVar variation 1127730 (VCV001127730.19), dbSNP rs762231724, ClinGen allele CA5337170.

ClinVar aggregate classification (germline): Likely benign. Review status: criteria provided, multiple submitters, no conflicts (2 of 4 stars). 3 submissions from 3 submitters: Likely benign (2). 1 of the submissions does not count toward it. Last evaluated 2025-10-01.

Conditions:
INPP5E-related disorder. Also called: INPP5E-related condition.
Joubert syndrome. Also called: JOUBERT-BOLTSHAUSER SYNDROME; Familial aplasia of the vermis. Identifiers: Orphanet 475, MedGen C5979921, MONDO:0018772.

Allele frequency attached by ClinVar (database versions not stated): TOPMed below 0.00001; gnomAD exomes 0.00001 and 0.00002; ExAC 0.00009.
gnomAD v4.1: 11 of 1,568,190 alleles (0.0007%); highest among the groups gnomAD compares: Middle Eastern, 0.018%; no homozygotes.

Submissions (3):

CeGaT Center for Human Genetics Tuebingen
Classification: Likely benign. Last evaluated: 2025-10-01. Review status: criteria provided, single submitter. Criteria: CeGaT Center For Human Genetics Tuebingen Variant Classification Criteria Version 2. Collection method: clinical testing. Allele origin: germline. Affected: yes. Observed: 1 variant allele.
Comment: INPP5E: BP4, BP7

Labcorp Genetics (formerly Invitae), Labcorp
Classification: Likely benign for Joubert syndrome. Last evaluated: 2021-10-11. Review status: criteria provided, single submitter. Criteria: Invitae Variant Classification Sherloc (09022015). Collection method: clinical testing. Allele origin: germline.

PreventionGenetics, part of Exact Sciences
Classification: Likely benign for INPP5E-related condition. Last evaluated: 2021-11-09. Review status: no assertion criteria provided. Collection method: clinical testing. Allele origin: germline. Not counted in ClinVar's aggregate classification.
Comment: This variant is classified as likely benign based on ACMG/AMP sequence variant interpretation guidelines (Richards et al. 2015 PMID: 25741868, with internal and published modifications).